The following is an entry in ClinVar:

ClinVar aggregate classification (germline): Benign (1 of 4 stars; one submission).

Conditions:
Exudative vitreoretinopathy 1 (EVR1). Also called: CRISWICK-SCHEPENS SYNDROME; FEVR, AUTOSOMAL DOMINANT; Familial exudative vitreoretinopathy, autosomal dominant. Identifiers: Orphanet 891, Orphanet 90050, MedGen C1851402, MONDO:0007589, OMIM 133780.

Allele frequency attached by ClinVar (database versions not stated): 1000 Genomes Project 0.00339; 1000 Genomes Project 30x 0.00375; gnomAD 0.00629 and 0.00650.

Submission:

Illumina Laboratory Services, Illumina
Classification: Benign for Exudative vitreoretinopathy 1. Last evaluated: 2018-01-13. Review status: criteria provided, single submitter. Criteria: ICSL Variant Classification Criteria 13 December 2019. Collection method: clinical testing. Allele origin: germline.
Comment: This variant was observed in the ICSL laboratory as part of a predisposition screen in an ostensibly healthy population. It had not been previously curated by ICSL or reported in the Human Gene Mutation Database (HGMD: prior to June 1st, 2018), and was therefore a candidate for classification through an automated scoring system. Utilizing variant allele frequency, disease prevalence and penetrance estimates, and inheritance mode, an automated score was calculated to assess if this variant is too frequent to cause the disease. Based on the score and internal cut-off values, a variant classified as benign is not then subjected to further curation. The score for this variant resulted in a classification of benign for this disease.

NM_012193.4(FZD4):c.*3402G>T

Genes: PRSS23 (serine protease 23; plus strand), FZD4 (frizzled class receptor 4; minus strand). Cytogenetic location: 11q14.2.
Variant type: single nucleotide variant.
Coding change: c.*3402G>T on transcript NM_012193.4 (MANE Select); 3402 bases downstream of the stop codon, G replaced by T.
Molecular consequence: 3 prime UTR variant.
Genome position (GRCh38, 1-based): chr11:86,947,740, C>A on the plus strand (G>T on the coding strand, the complement: FZD4 is on the minus strand). VCF-style: chr11-86947740-C-A. GRCh37 (hg19) VCF-style: chr11-86658782-C-A.
Identifiers: ClinVar variation 306361 (VCV000306361.5), dbSNP rs139460265, ClinGen allele CA10640408.